The following is an entry in ClinVar:

ClinVar aggregate classification (germline): Uncertain significance (1 of 4 stars; one submission).

Conditions:
Early-infantile DEE. Also called: Ohtahara syndrome; Early infantile epileptic encephalopathy; Early infantile epileptic encephalopathy with suppression bursts. Identifiers: Orphanet 1934, MedGen C0393706, MONDO:0800491.

Allele frequency attached by ClinVar (database versions not stated): ExAC 0.00001; gnomAD 0.00002; TOPMed 0.00002; ESP Exome Variant Server 0.00008.
gnomAD v4.1: 3 of 1,613,758 alleles (0.00019%); highest among the groups gnomAD compares: African/African-American, 0.004%; no homozygotes.

Submission:

Labcorp Genetics (formerly Invitae), Labcorp
Classification: Uncertain significance for Early-infantile DEE. Last evaluated: 2024-09-06. Review status: criteria provided, single submitter. Criteria: Invitae Variant Classification Sherloc (09022015). Collection method: clinical testing. Allele origin: germline.
Comment: This sequence change replaces phenylalanine, which is neutral and non-polar, with serine, which is neutral and polar, at codon 1132 of the SCN1A protein (p.Phe1132Ser). This variant is present in population databases (rs369284756, gnomAD 0.007%). This variant has not been reported in the literature in individuals affected with SCN1A-related conditions. ClinVar contains an entry for this variant (Variation ID: 2173788). Invitae Evidence Modeling of protein sequence and biophysical properties (such as structural, functional, and spatial information, amino acid conservation, physicochemical variation, residue mobility, and thermodynamic stability) indicates that this missense variant is not expected to disrupt SCN1A protein function with a negative predictive value of 95%. In summary, the available evidence is currently insufficient to determine the role of this variant in disease. Therefore, it has been classified as a Variant of Uncertain Significance.

NM_001165963.4(SCN1A):c.3395T>C (p.Phe1132Ser)

Genes: SCN1A (sodium voltage-gated channel alpha subunit 1; minus strand), LOC102724058 (uncharacterized LOC102724058; plus strand). Cytogenetic location: 2q24.3.
Variant type: single nucleotide variant.
Coding change: c.3395T>C on transcript NM_001165963.4 (MANE Select); coding-DNA position 3395, T replaced by C.
Protein change: p.Phe1132Ser; replaces phenylalanine 1132 with serine.
Molecular consequence: missense variant. On other transcripts: non-coding transcript variant (2).
Genome position (GRCh38, 1-based): chr2:166,036,082, A>G on the plus strand (T>C on the coding strand, the complement: SCN1A is on the minus strand). VCF-style: chr2-166036082-A-G. GRCh37 (hg19) VCF-style: chr2-166892592-A-G.
Other names: c.3311T>C, p.Phe1104Ser (NM_001165964.3, NM_001353957.2, NM_001353958.2); c.3395T>C, p.Phe1132Ser (NM_001202435.3, NM_001353948.2); c.3362T>C, p.Phe1121Ser (NM_001353949.2, NM_001353950.2, NM_001353951.2 and 2 more transcripts); c.3359T>C, p.Phe1120Ser (NM_001353954.2, NM_001353955.2); c.3308T>C, p.Phe1103Ser (NM_001353960.2); c.953T>C, p.Phe318Ser (NM_001353961.2); short protein forms F318S, F1121S, F1132S, F1103S, F1104S, F1120S.
Identifiers: ClinVar variation 2173788 (VCV002173788.4), dbSNP rs369284756, ClinGen allele CA1942976.